The following is an entry in ClinVar:

ClinVar aggregate classification (germline): Uncertain significance (1 of 4 stars; one submission).

gnomAD v4.1: 4 of 1,612,764 alleles (0.00025%); highest among the groups gnomAD compares: Non-Finnish European, 0.00034%; no homozygotes.

Submission:

GeneDx
Classification: Uncertain significance. Last evaluated: 2025-02-11. Review status: criteria provided, single submitter. Criteria: GeneDx Variant Classification Process June 2021. Collection method: clinical testing. Allele origin: germline. Affected: yes.
Comment: Not observed at significant frequency in large population cohorts (gnomAD); In silico analysis indicates that this missense variant does not alter protein structure/function; Has not been previously published as pathogenic or benign to our knowledge

NM_138694.4(PKHD1):c.8281G>A (p.Asp2761Asn)

Gene: PKHD1 (PKHD1 ciliary IPT domain containing fibrocystin/polyductin; minus strand). Cytogenetic location: 6p12.2.
Variant type: single nucleotide variant.
Coding change: c.8281G>A on transcript NM_138694.4 (MANE Select); coding-DNA position 8281, G replaced by A.
Protein change: p.Asp2761Asn; replaces aspartic acid 2761 with asparagine.
Molecular consequence: missense variant.
Genome position (GRCh38, 1-based): chr6:51,830,882, C>T on the plus strand (G>A on the coding strand, the complement: PKHD1 is on the minus strand). VCF-style: chr6-51830882-C-T. GRCh37 (hg19) VCF-style: chr6-51695680-C-T.
Other names: c.8281G>A, p.Asp2761Asn (NM_170724.3); short protein forms D2761N.
Identifiers: ClinVar variation 4074541 (VCV004074541.1).